The following is an entry in ClinVar:

NM_004360.5(CDH1):c.2296-9del

Gene: CDH1 (cadherin 1; plus strand). Cytogenetic location: 16q22.1.
Variant type: Deletion.
Coding change: c.2296-9del on transcript NM_004360.5 (MANE Select); 9 bases into the intron before coding-DNA position 2296, one base deleted (T; older notation c.2296-9delT).
Molecular consequence: intron variant.
Genome position (GRCh38, 1-based): chr16:68,829,645, T deleted; the last of 6 consecutive T bases (chr16:68,829,640-68,829,645); deleting any one gives the same sequence. VCF-style (leftmost placement, unchanged base first): chr16-68829639-CT-C. GRCh37 (hg19) VCF-style: chr16-68863542-CT-C.
Other names: c.748-9del (NM_001317185.2); c.331-9del (NM_001317186.2); c.2113-9del (NM_001317184.2).
Identifiers: ClinVar variation 3378499 (VCV003378499.1).
Genomic context (GRCh38, chr16:68,829,639, plus strand): 5'-AAACTGAACATAGCCCTGTGTGTATGACTATTTCTTTCCTACTCTTCATTGTACTTCAAC[CT>C]TTTTTCTCCAAAGGACTTTGACTTGAGCCAGCTGCACAGGGGCCTGGACGCTCGGCCTGA-3'

ClinVar aggregate classification (germline): Likely benign (1 of 4 stars; one submission).

Conditions:
Hereditary diffuse gastric adenocarcinoma (HDGC). Also called: DIFFUSE GASTRIC AND LOBULAR BREAST CANCER SYNDROME. Identifiers: Orphanet 26106, MedGen C1708349, MONDO:0007648, OMIM 137215.

Submission:

Myriad Genetics, Inc.
Classification: Likely benign for Hereditary diffuse gastric adenocarcinoma. Last evaluated: 2024-09-23. Review status: criteria provided, single submitter. Criteria: Myriad Autosomal Dominant, Autosomal Recessive and X-Linked Classification Criteria (2023). Collection method: clinical testing. Allele origin: unknown.
Comment: This variant is considered likely benign. This variant is intronic and is not expected to impact mRNA splicing.